The following is an entry in ClinVar:

ClinVar aggregate classification (germline): Pathogenic (1 of 4 stars; one submission).

Conditions:
Partial deletion of the long arm of chromosome 7. Identifiers: Orphanet 262056, MedGen C5679676, MONDO:0016906.

Submission:

Broad Center for Mendelian Genomics, Broad Institute of MIT and Harvard
Classification: Pathogenic for Partial deletion of the long arm of chromosome 7. Last evaluated: 2023-05-01. Review status: criteria provided, single submitter. Criteria: ACMG/ClinGen CNV Guidelines, 2019. Collection method: research. Allele origin: germline. Inheritance: Autosomal dominant inheritance. Affected: yes.
Comment: A confirmed de novo heterozygous deletion of 7q21.2-q22.1. These breakpoints have been called by exome sequencing only and therefore may not reflect the true breakpoints. The patient phenotype is nonspecific, but is consistent with cases described in the literature and/or published databases with overlapping variants. There is complete overlap with the SGCE gene which is known to be haploinsufficient and has been assessed by the ClinGen Dosage Sensitivity Working Group. Data from large population studies are insufficient to assess the frequency of this variant. In summary, this variant meets criteria to be classified as pathogenic for 7q deletion syndrome. The ACMG/ClinGen evidence codes and points used in this curation are as follows: 1: 0 points, 2: 1 points, 3: 0.90 points, 4-5: 0.15 points; Total: 2.05 points; Riggs 2020 (PMID: 31690835).

Single allele

Genes: AKAP9 (A-kinase anchoring protein 9; plus strand), ANKIB1 (ankyrin repeat and IBR domain containing 1; plus strand), AP4M1 (adaptor related protein complex 4 subunit mu 1; plus strand), ARPC1A (actin related protein 2/3 complex subunit 1A; plus strand), ARPC1B (actin related protein 2/3 complex subunit 1B; plus strand) and 354 more. Cytogenetic location: 7q21.2-22.1.
Variant type: Deletion.
Identifiers: ClinVar variation 4819223 (VCV004819223.1).